The following is an entry in ClinVar:

ClinVar aggregate classification (germline): Likely benign (1 of 4 stars; one submission).

Submission:

GeneDx
Classification: Likely benign. Last evaluated: 2016-05-18. Review status: criteria provided, single submitter. Criteria: GeneDx Variant Classification (06012015). Collection method: clinical testing. Allele origin: germline. Affected: yes.
Comment: This variant is considered likely benign or benign based on one or more of the following criteria: it is a conservative change, it occurs at a poorly conserved position in the protein, it is predicted to be benign by multiple in silico algorithms, and/or has population frequency not consistent with disease.

NM_021971.4(GMPPB):c.403-16C>T

Gene: GMPPB (GDP-mannose pyrophosphorylase B; minus strand). Cytogenetic location: 3p21.31.
Variant type: single nucleotide variant.
Coding change: c.403-16C>T on transcript NM_021971.4 (MANE Select); 16 bases into the intron before coding-DNA position 403, C replaced by T.
Molecular consequence: intron variant.
Genome position (GRCh38, 1-based): chr3:49,722,770, G>A on the plus strand (C>T on the coding strand, the complement: GMPPB is on the minus strand). VCF-style: chr3-49722770-G-A. GRCh37 (hg19) VCF-style: chr3-49760203-G-A.
Other names: c.403-16C>T (NM_013334.4).
Identifiers: ClinVar variation 386234 (VCV000386234.1), dbSNP rs1057522456, ClinGen allele CA16604981.